The following is an entry in ClinVar:

NM_001080467.3(MYO5B):c.3572C>T (p.Pro1191Leu)

Gene: MYO5B (myosin VB; minus strand). Cytogenetic location: 18q21.1.
Variant type: single nucleotide variant.
Coding change: c.3572C>T on transcript NM_001080467.3 (MANE Select); coding-DNA position 3572, C replaced by T.
Protein change: p.Pro1191Leu; replaces proline 1191 with leucine.
Molecular consequence: missense variant.
Genome position (GRCh38, 1-based): chr18:49,872,198, G>A on the plus strand (C>T on the coding strand, the complement: MYO5B is on the minus strand). VCF-style: chr18-49872198-G-A. GRCh37 (hg19) VCF-style: chr18-47398568-G-A.
Other names: short protein forms P1191L.
Identifiers: ClinVar variation 733008 (VCV000733008.12), dbSNP rs373211672, ClinGen allele CA8960669.

ClinVar aggregate classification (germline): Benign/Likely benign. Review status: criteria provided, multiple submitters, no conflicts (2 of 4 stars). 3 submissions from 3 submitters: Benign (1); Likely benign (1). 1 of the submissions does not count toward it. Last evaluated 2025-12-08.

Conditions:
MYO5B-related disorder. Also called: MYO5B-related condition.

Allele frequency attached by ClinVar (database versions not stated): ESP Exome Variant Server 0.00008; TOPMed 0.00011; 1000 Genomes Project 30x 0.00031; gnomAD exomes 0.00034; ExAC 0.00036; 1000 Genomes Project 0.00040.
gnomAD v4.1: 343 of 1,614,016 alleles (0.021%); highest among the groups gnomAD compares: South Asian, 0.24%; 3 homozygotes.

Submissions (3):

Labcorp Genetics (formerly Invitae), Labcorp
Classification: Benign. Last evaluated: 2025-12-08. Review status: criteria provided, single submitter. Criteria: Invitae Variant Classification Sherloc (09022015). Collection method: clinical testing. Allele origin: germline.

Blueprint Genetics
Classification: Likely benign. Last evaluated: 2024-11-27. Review status: criteria provided, single submitter. Criteria: ACMG Guidelines, 2015. Collection method: clinical testing. Allele origin: germline.

PreventionGenetics, part of Exact Sciences
Classification: Likely benign for MYO5B-related condition. Last evaluated: 2022-07-26. Review status: no assertion criteria provided. Collection method: clinical testing. Allele origin: germline. Not counted in ClinVar's aggregate classification.
Comment: This variant is classified as likely benign based on ACMG/AMP sequence variant interpretation guidelines (Richards et al. 2015 PMID: 25741868, with internal and published modifications).